The following is an entry in ClinVar:

NM_000059.4(BRCA2):c.1100A>C (p.Asp367Ala)

Gene: BRCA2 (BRCA2 DNA repair associated; plus strand). Cytogenetic location: 13q13.1.
Variant type: single nucleotide variant.
Coding change: c.1100A>C on transcript NM_000059.4 (MANE Select); coding-DNA position 1100, A replaced by C.
Protein change: p.Asp367Ala; replaces aspartic acid 367 with alanine.
Molecular consequence: missense variant.
Genome position (GRCh38, 1-based): chr13:32,332,578, A>C. VCF-style: chr13-32332578-A-C. GRCh37 (hg19) VCF-style: chr13-32906715-A-C.
Other names: c.1100A>C, p.Asp367Ala (NM_001406719.1, NM_001406720.1, NM_001406721.1); short protein forms D367A.
Identifiers: ClinVar variation 1721541 (VCV001721541.7), dbSNP rs2137467642, ClinGen allele CA387761552.

ClinVar aggregate classification (germline): Conflicting classifications of pathogenicity. Review status: criteria provided, conflicting classifications (1 of 4 stars). 2 submissions from 2 submitters: Uncertain significance (1); Likely benign (1). Last evaluated 2023-03-23.

Conditions:
Hereditary cancer-predisposing syndrome. Also called: Hereditary neoplastic syndrome; Neoplastic Syndromes, Hereditary; Hereditary Cancer Syndrome; Tumor predisposition. Identifiers: Orphanet 140162, MedGen C0027672, MeSH D009386, MONDO:0015356.
Hereditary breast ovarian cancer syndrome. Also called: BRCA1- and BRCA2-Associated Hereditary Breast and Ovarian Cancer; Hereditary breast and ovarian cancer syndrome (HBOC); Hereditary breast and/or ovarian cancer syndrome; Hereditary breast and ovarian cancer syndrome; Hereditary breast and ovarian cancer; Breast and ovarian cancer. Identifiers: Orphanet 145, MedGen C0677776, MeSH D061325, MONDO:0003582. Disease mechanism: loss of function.

Allele frequency attached by ClinVar (database versions not stated): gnomAD exomes below 0.00001.

Submissions (2):

University of Washington Department of Laboratory Medicine, University of Washington
Classification: Likely benign for Hereditary cancer-predisposing syndrome. Last evaluated: 2023-03-23. Review status: criteria provided, single submitter. Criteria: Dines et al. (Genet Med. 2020). Collection method: curation. Allele origin: germline.
Comment: Missense variant in a coldspot region where missense variants are very unlikely to be pathogenic (PMID:31911673).

BRCA2 exon 10 coldspot. Reclassification based on statistical prior probability.

Labcorp Genetics (formerly Invitae), Labcorp
Classification: Uncertain significance for Hereditary breast ovarian cancer syndrome. Last evaluated: 2023-02-26. Review status: criteria provided, single submitter. Criteria: Invitae Variant Classification Sherloc (09022015). Collection method: clinical testing. Allele origin: germline.
Comment: This sequence change replaces aspartic acid, which is acidic and polar, with alanine, which is neutral and non-polar, at codon 367 of the BRCA2 protein (p.Asp367Ala). This variant is not present in population databases (gnomAD no frequency). This variant has not been reported in the literature in individuals affected with BRCA2-related conditions. ClinVar contains an entry for this variant (Variation ID: 1721541). Advanced modeling of protein sequence and biophysical properties (such as structural, functional, and spatial information, amino acid conservation, physicochemical variation, residue mobility, and thermodynamic stability) performed at Invitae indicates that this missense variant is not expected to disrupt BRCA2 protein function. In summary, the available evidence is currently insufficient to determine the role of this variant in disease. Therefore, it has been classified as a Variant of Uncertain Significance.